The following is an entry in ClinVar:

ClinVar aggregate classification (germline): Uncertain significance (1 of 4 stars; one submission).

Conditions:
Early Myoclonic Encephalopathy. Identifiers: MedGen C0270855.

Allele frequency attached by ClinVar (database versions not stated): gnomAD exomes below 0.00001; TOPMed below 0.00001.
gnomAD v4.1: 1 of 1,613,306 alleles (0.000062%); highest among the groups gnomAD compares: Non-Finnish European, 0.000085%; no homozygotes.

Submission:

Labcorp Genetics (formerly Invitae), Labcorp
Classification: Uncertain significance for Early Myoclonic Encephalopathy. Last evaluated: 2023-10-16. Review status: criteria provided, single submitter. Criteria: Invitae Variant Classification Sherloc (09022015). Collection method: clinical testing. Allele origin: germline.
Comment: This sequence change replaces lysine, which is basic and polar, with glutamine, which is neutral and polar, at codon 487 of the KCND2 protein (p.Lys487Gln). This variant is not present in population databases (gnomAD no frequency). This variant has not been reported in the literature in individuals affected with KCND2-related conditions. Advanced modeling of protein sequence and biophysical properties (such as structural, functional, and spatial information, amino acid conservation, physicochemical variation, residue mobility, and thermodynamic stability) performed at Invitae indicates that this missense variant is not expected to disrupt KCND2 protein function. In summary, the available evidence is currently insufficient to determine the role of this variant in disease. Therefore, it has been classified as a Variant of Uncertain Significance.

NM_012281.3(KCND2):c.1459A>C (p.Lys487Gln)

Gene: KCND2 (potassium voltage-gated channel subfamily D member 2; plus strand). Cytogenetic location: 7q31.31.
Variant type: single nucleotide variant.
Coding change: c.1459A>C on transcript NM_012281.3 (MANE Select); coding-DNA position 1459, A replaced by C.
Protein change: p.Lys487Gln; replaces lysine 487 with glutamine.
Molecular consequence: missense variant.
Genome position (GRCh38, 1-based): chr7:120,742,594, A>C. VCF-style: chr7-120742594-A-C. GRCh37 (hg19) VCF-style: chr7-120382648-A-C.
Other names: short protein forms K487Q.
Identifiers: ClinVar variation 2860524 (VCV002860524.3), dbSNP rs774627483, ClinGen allele CA369134758.
Genomic context (GRCh38, chr7:120,742,594, plus strand): 5'-GTTAGCAAATCCGGCTCCAGCTTTGAAACCCAGCACCACCACCTGCTTCACTGCCTGGAA[A>C]AAACCACGGTAAGGAGACAGCATGACTGCCTTCCCTTGCTCTCTGACAGTAATTCCATTT-3'
Protein context (NP_036413.1, residues 477-497): QHHHLLHCLE[Lys487Gln]TTNHEFVDEQ